The following is an entry in ClinVar:

ClinVar aggregate classification (germline): Uncertain significance. Review status: criteria provided, multiple submitters, no conflicts (2 of 4 stars). 2 submissions from 2 submitters: Uncertain significance (2). Last evaluated 2025-09-04.

Allele frequency attached by ClinVar (database versions not stated): TOPMed below 0.00001; gnomAD 0.00001; ExAC 0.00002; gnomAD exomes 0.00002.
gnomAD v4.1: 29 of 1,613,534 alleles (0.0018%); highest among the groups gnomAD compares: Middle Eastern, 0.016%; no homozygotes.

Submissions (2):

Ambry Genetics
Classification: Uncertain significance. Last evaluated: 2025-09-04. Review status: criteria provided, single submitter. Criteria: Ambry Variant Classification Scheme 2023. Collection method: clinical testing. Allele origin: germline.

Labcorp Genetics (formerly Invitae), Labcorp
Classification: Uncertain significance. Last evaluated: 2022-01-03. Review status: criteria provided, single submitter. Criteria: Invitae Variant Classification Sherloc (09022015). Collection method: clinical testing. Allele origin: germline.
Comment: This variant is present in population databases (no rsID available, gnomAD 0.003%). This sequence change replaces isoleucine, which is neutral and non-polar, with valine, which is neutral and non-polar, at codon 351 of the CRAT protein (p.Ile351Val). This variant has not been reported in the literature in individuals affected with CRAT-related conditions. In summary, the available evidence is currently insufficient to determine the role of this variant in disease. Therefore, it has been classified as a Variant of Uncertain Significance. Algorithms developed to predict the effect of missense changes on protein structure and function (SIFT, PolyPhen-2, Align-GVGD) all suggest that this variant is likely to be tolerated.

NM_000755.5(CRAT):c.1051A>G (p.Ile351Val)

Gene: CRAT (carnitine O-acetyltransferase; minus strand). Cytogenetic location: 9q34.11.
Variant type: single nucleotide variant.
Coding change: c.1051A>G on transcript NM_000755.5 (MANE Select); coding-DNA position 1051, A replaced by G.
Protein change: p.Ile351Val; replaces isoleucine 351 with valine.
Molecular consequence: missense variant.
Genome position (GRCh38, 1-based): chr9:129,099,900, T>C on the plus strand (A>G on the coding strand, the complement: CRAT is on the minus strand). VCF-style: chr9-129099900-T-C. GRCh37 (hg19) VCF-style: chr9-131862179-T-C.
Other names: c.988A>G, p.Ile330Val (NM_001257363.3, NM_001346548.2, NM_004003.4); c.1054A>G, p.Ile352Val (NM_001346546.2); c.1051A>G, p.Ile351Val (NM_001346547.2); c.931A>G, p.Ile311Val (NM_001346549.2); c.1051A>G (NM_000755.3); short protein forms I311V, I330V, I352V, I351V.
Identifiers: ClinVar variation 2156605 (VCV002156605.5), dbSNP rs1554725148, ClinGen allele CA5275520.